The following is an entry in ClinVar:

ClinVar aggregate classification (germline): Pathogenic/Likely pathogenic. Review status: criteria provided, multiple submitters, no conflicts (2 of 4 stars). 2 submissions from 2 submitters: Pathogenic (1); Likely pathogenic (1). Last evaluated 2026-05-31.

Conditions:
MYO3A-related disorder. Also called: MYO3A-related condition.
Autosomal recessive nonsyndromic hearing loss 30. Identifiers: Orphanet 90636, MedGen C1846784, MONDO:0011774, OMIM 607101.

gnomAD v4.1: 6 of 1,606,808 alleles (0.00037%); highest among the groups gnomAD compares: Admixed American, 0.01%; no homozygotes.

Submissions (2):

PreventionGenetics, part of Exact Sciences
Classification: Likely pathogenic for MYO3A-related condition. Last evaluated: 2026-05-31. Review status: criteria provided, single submitter. Criteria: ACMG Guidelines, 2015. Collection method: clinical testing. Allele origin: germline.
Comment: The MYO3A c.2482G>T variant is predicted to result in premature protein termination (p.Gly828*). To our knowledge, this variant has not been reported in the literature. This variant is reported in 0.017% of alleles in individuals of Latino descent in gnomAD. Nonsense variants in MYO3A are expected to be pathogenic. This variant is interpreted as likely pathogenic.

3billion
Classification: Pathogenic for Autosomal recessive nonsyndromic hearing loss 30. Last evaluated: 2024-01-25. Review status: criteria provided, single submitter. Criteria: ACMG Guidelines, 2015. Collection method: clinical testing. Allele origin: germline. Affected: yes.
Comment: The variant is observed at an extremely low frequency in the gnomAD v2.1.1 dataset (total allele frequency: 0.002%). Predicted Consequence/Location: Stop-gained (nonsense): predicted to result in a loss or disruption of normal protein function through nonsense-mediated decay (NMD) or protein truncation. Multiple pathogenic variants are reported downstream of the variant. Therefore, this variant is classified as Pathogenic according to the recommendation of ACMG/AMP guideline.

NM_017433.5(MYO3A):c.2482G>T (p.Gly828Ter)

Gene: MYO3A (myosin IIIA; plus strand). Cytogenetic location: 10p12.1.
Variant type: single nucleotide variant.
Coding change: c.2482G>T on transcript NM_017433.5 (MANE Select); coding-DNA position 2482, G replaced by T.
Protein change: p.Gly828Ter; replaces glycine 828 with a stop codon.
Molecular consequence: nonsense.
Genome position (GRCh38, 1-based): chr10:26,145,511, G>T. VCF-style: chr10-26145511-G-T. GRCh37 (hg19) VCF-style: chr10-26434440-G-T.
Other names: c.2482G>T (NM_017433.4); short protein forms G828*.
Identifiers: ClinVar variation 3776003 (VCV003776003.2).